The following is an entry in ClinVar:

NM_001114753.3(ENG):c.1645T>A (p.Cys549Ser)

Genes: ENG (endoglin; minus strand), LOC102723566 (uncharacterized LOC102723566; plus strand). Cytogenetic location: 9q34.11.
Variant type: single nucleotide variant.
Coding change: c.1645T>A on transcript NM_001114753.3 (MANE Select); coding-DNA position 1645, T replaced by A.
Protein change: p.Cys549Ser; replaces cysteine 549 with serine.
Molecular consequence: missense variant.
Genome position (GRCh38, 1-based): chr9:127,818,161, A>T on the plus strand (T>A on the coding strand, the complement: ENG is on the minus strand). VCF-style: chr9-127818161-A-T. GRCh37 (hg19) VCF-style: chr9-130580440-A-T.
Other names: c.1645T>A, p.Cys549Ser (NM_000118.4); c.1099T>A, p.Cys367Ser (NM_001278138.2); short protein forms C367S, C549S.
Identifiers: ClinVar variation 1471825 (VCV001471825.9), dbSNP rs1830376644, ClinGen allele CA374974158.

ClinVar aggregate classification (germline): Likely pathogenic (1 of 4 stars; one submission).

Conditions:
Hereditary hemorrhagic telangiectasia (HHT). Also called: ORW DISEASE; Osler Weber Rendu syndrome; OSLER-RENDU-WEBER DISEASE; Osler hemorrhagic telangiectasia syndrome. Identifiers: Orphanet 774, MedGen C0039445, MONDO:0019180. Disease mechanism: loss of function.

Submission:

Labcorp Genetics (formerly Invitae), Labcorp
Classification: Likely pathogenic for Hereditary hemorrhagic telangiectasia. Last evaluated: 2023-06-04. Review status: criteria provided, single submitter. Criteria: Invitae Variant Classification Sherloc (09022015). Collection method: clinical testing. Allele origin: germline.
Comment: This variant is not present in population databases (gnomAD no frequency). ClinVar contains an entry for this variant (Variation ID: 1471825). This sequence change replaces cysteine, which is neutral and slightly polar, with serine, which is neutral and polar, at codon 549 of the ENG protein (p.Cys549Ser). This missense change has been observed in individuals with clinical features of hereditary hemorrhagic telangiectasia (Invitae). Advanced modeling of protein sequence and biophysical properties (such as structural, functional, and spatial information, amino acid conservation, physicochemical variation, residue mobility, and thermodynamic stability) performed at Invitae indicates that this missense variant is expected to disrupt ENG protein function. This variant disrupts the p.Cys549 amino acid residue in ENG. Other variant(s) that disrupt this residue have been determined to be pathogenic (PMID: 20414677, 21158752; Invitae). This suggests that this residue is clinically significant, and that variants that disrupt this residue are likely to be disease-causing. In summary, the currently available evidence indicates that the variant is pathogenic, but additional data are needed to prove that conclusively. Therefore, this variant has been classified as Likely Pathogenic.

Literature cited by the submitters: PubMed 20414677; PubMed 21158752.